The following is an entry in ClinVar:

ClinVar aggregate classification (germline): Likely pathogenic (1 of 4 stars; one submission).

Conditions:
Galactosemia. Also called: Galactose intolerance. Identifiers: Orphanet 352, MedGen C0016952, MONDO:0018116, HP:0004919. Disease mechanism: loss of function.

gnomAD v4.1: 1 of 1,614,198 alleles (0.000062%); highest among the groups gnomAD compares: South Asian, 0.0011%; no homozygotes.

Submission:

Natera, Inc.
Classification: Likely pathogenic for Galactosemia. Last evaluated: 2024-08-02. Review status: criteria provided, single submitter. Criteria: Natera Variant Classification Schema (03/2026). Collection method: clinical testing. Allele origin: germline.
Comment: The c.495C>A variant in GALT is a nonsense variant predicted to introduce a stop codon at amino acid 165. This variant is expected to result in nonsense mediated decay, truncation, or a dysfunctional protein product. This variant is rare in the general population with a frequency below the threshold expected for the associated phenotype(s). Given the available evidence, this variant is classified as Likely Pathogenic.

NM_000155.4(GALT):c.495C>A (p.Tyr165Ter)

Gene: GALT (galactose-1-phosphate uridylyltransferase; plus strand). Cytogenetic location: 9p13.3.
Variant type: single nucleotide variant.
Coding change: c.495C>A on transcript NM_000155.4 (MANE Select); coding-DNA position 495, C replaced by A.
Protein change: p.Tyr165Ter; replaces tyrosine 165 with a stop codon.
Molecular consequence: nonsense.
Genome position (GRCh38, 1-based): chr9:34,647,949, C>A. VCF-style: chr9-34647949-C-A. GRCh37 (hg19) VCF-style: chr9-34647946-C-A.
Other names: c.168C>A, p.Tyr56Ter (NM_001258332.2); short protein forms Y165*, Y56*.
Identifiers: ClinVar variation 4817632 (VCV004817632.1).
Genomic context (GRCh38, chr9:34,647,949, plus strand): 5'-TGAGATCCGGGCTGTTGTTGATGCATGGGCCTCAGTCACAGAGGAGCTGGGTGCCCAGTA[C>A]CCTTGGGTGCAGGTTTGTGAGGTCGCCCCTTCCCCTGGATGGGCAGGGAGGGGGTGATGA-3'